The following is an entry in ClinVar:

NM_198391.3(FLRT3):c.821A>G (p.Tyr274Cys)

Genes: FLRT3 (fibronectin leucine rich transmembrane protein 3; minus strand), MACROD2 (mono-ADP ribosylhydrolase 2; plus strand). Cytogenetic location: 20p12.1.
Variant type: single nucleotide variant.
Coding change: c.821A>G on transcript NM_198391.3 (MANE Select); coding-DNA position 821, A replaced by G.
Protein change: p.Tyr274Cys; replaces tyrosine 274 with cysteine.
Molecular consequence: missense variant. On other transcripts: intron variant (3).
Genome position (GRCh38, 1-based): chr20:14,326,686, T>C on the plus strand (A>G on the coding strand, the complement: FLRT3 is on the minus strand). VCF-style: chr20-14326686-T-C. GRCh37 (hg19) VCF-style: chr20-14307332-T-C.
Other names: c.821A>G, p.Tyr274Cys (NM_013281.4); c.272-166793T>C (NM_001351661.2, NM_001351663.2, NM_080676.6); short protein forms Y274C.
Identifiers: ClinVar variation 1365462 (VCV001365462.6), dbSNP rs147137056, ClinGen allele CA9768989.

ClinVar aggregate classification (germline): Uncertain significance (1 of 4 stars; one submission).

Allele frequency attached by ClinVar (database versions not stated): gnomAD exomes 0.00003 and 0.00006; ExAC 0.00007; gnomAD 0.00015 and 0.00018; TOPMed 0.00025; ESP Exome Variant Server 0.00031.
gnomAD v4.1: 68 of 1,613,648 alleles (0.0042%); highest among the groups gnomAD compares: African/African-American, 0.063%; no homozygotes.

Submission:

Labcorp Genetics (formerly Invitae), Labcorp
Classification: Uncertain significance. Last evaluated: 2021-11-27. Review status: criteria provided, single submitter. Criteria: Invitae Variant Classification Sherloc (09022015). Collection method: clinical testing. Allele origin: germline.
Comment: This sequence change replaces tyrosine, which is neutral and polar, with cysteine, which is neutral and slightly polar, at codon 274 of the FLRT3 protein (p.Tyr274Cys). This variant is present in population databases (rs147137056, gnomAD 0.07%), and has an allele count higher than expected for a pathogenic variant. This missense change has been observed in individual(s) with clinical features of FLRT3-related conditions (PMID: 31200363). Algorithms developed to predict the effect of missense changes on protein structure and function (SIFT, PolyPhen-2, Align-GVGD) all suggest that this variant is likely to be disruptive. In summary, the available evidence is currently insufficient to determine the role of this variant in disease. Therefore, it has been classified as a Variant of Uncertain Significance.

Literature cited by the submitters: PubMed 31200363.